The following is an entry in ClinVar:

NM_003126.4(SPTA1):c.6422G>A (p.Arg2141Gln)

Gene: SPTA1 (spectrin alpha, erythrocytic 1; minus strand). Cytogenetic location: 1q23.1.
Variant type: single nucleotide variant.
Coding change: c.6422G>A on transcript NM_003126.4 (MANE Select); coding-DNA position 6422, G replaced by A.
Protein change: p.Arg2141Gln; replaces arginine 2141 with glutamine.
Molecular consequence: missense variant.
Genome position (GRCh38, 1-based): chr1:158,619,330, C>T on the plus strand (G>A on the coding strand, the complement: SPTA1 is on the minus strand). VCF-style: chr1-158619330-C-T. GRCh37 (hg19) VCF-style: chr1-158589120-C-T.
Other names: short protein forms R2141Q.
Identifiers: ClinVar variation 2222798 (VCV002222798.6), dbSNP rs201838571, ClinGen allele CA1181984.
Genomic context (GRCh38, chr1:158,619,330, plus strand): 5'-TCCTGACACATCTCAAAGTTCTTGACCTGTCTTGCCTCTTCCTTTTGCAGCTCCTGCTCC[C>T]GTTCCTAAAACCCCAAATCACAGACAACGTGACTGACATCGAAGGCCTTTCTTTGCCATA-3'
Protein context (NP_003117.2, residues 2131-2151): WKHLSDIIEE[Arg2141Gln]EQELQKEEAR

ClinVar aggregate classification (germline): Uncertain significance. Review status: criteria provided, multiple submitters, no conflicts (2 of 4 stars). 2 submissions from 2 submitters: Uncertain significance (2). Last evaluated 2025-08-30.

Allele frequency attached by ClinVar (database versions not stated): ExAC 0.00002; gnomAD 0.00003; 1000 Genomes Project 30x 0.00016; 1000 Genomes Project 0.00020.
gnomAD v4.1: 78 of 1,614,056 alleles (0.0048%); highest among the groups gnomAD compares: Non-Finnish European, 0.0063%; no homozygotes.

Submissions (2):

Ambry Genetics
Classification: Uncertain significance. Last evaluated: 2025-08-30. Review status: criteria provided, single submitter. Criteria: Ambry Variant Classification Scheme 2023. Collection method: clinical testing. Allele origin: germline.

Labcorp Genetics (formerly Invitae), Labcorp
Classification: Uncertain significance. Last evaluated: 2023-05-23. Review status: criteria provided, single submitter. Criteria: Invitae Variant Classification Sherloc (09022015). Collection method: clinical testing. Allele origin: germline.
Comment: In summary, the available evidence is currently insufficient to determine the role of this variant in disease. Therefore, it has been classified as a Variant of Uncertain Significance. Advanced modeling of protein sequence and biophysical properties (such as structural, functional, and spatial information, amino acid conservation, physicochemical variation, residue mobility, and thermodynamic stability) performed at Invitae indicates that this missense variant is expected to disrupt SPTA1 protein function. ClinVar contains an entry for this variant (Variation ID: 2222798). This variant has not been reported in the literature in individuals affected with SPTA1-related conditions. This variant is present in population databases (rs201838571, gnomAD 0.003%). This sequence change replaces arginine, which is basic and polar, with glutamine, which is neutral and polar, at codon 2141 of the SPTA1 protein (p.Arg2141Gln).